The following is an entry in ClinVar:

NM_020433.5(JPH2):c.1328T>C (p.Leu443Pro)

Gene: JPH2 (junctophilin 2; minus strand). Cytogenetic location: 20q13.12.
Variant type: single nucleotide variant.
Coding change: c.1328T>C on transcript NM_020433.5 (MANE Select); coding-DNA position 1328, T replaced by C.
Protein change: p.Leu443Pro; replaces leucine 443 with proline.
Molecular consequence: missense variant.
Genome position (GRCh38, 1-based): chr20:44,116,347, A>G on the plus strand (T>C on the coding strand, the complement: JPH2 is on the minus strand). VCF-style: chr20-44116347-A-G. GRCh37 (hg19) VCF-style: chr20-42744987-A-G.
Other names: short protein forms L443P.
Identifiers: ClinVar variation 1770065 (VCV001770065.3), dbSNP rs1361995693, ClinGen allele CA409100877.
Genomic context (GRCh38, chr20:44,116,347, plus strand): 5'-GGGAGGCCCGCTGCGCCGGCGCCCCGGTCGGGGGGCTCCAGCAGGCTCTCCGAGTTCTCC[A>G]GGATCTCCTGCAGCAGCCGGCGCTTCTGATATTCCGGACCTGCCAGGGCAACACAGGGAG-3'
Protein context (NP_065166.2, residues 433-453): YQKRRLLQEI[Leu443Pro]ENSESLLEPP

ClinVar aggregate classification (germline): Uncertain significance. Review status: criteria provided, multiple submitters, no conflicts (2 of 4 stars). 2 submissions from 2 submitters: Uncertain significance (2). Last evaluated 2025-05-22.

Conditions:
Cardiovascular phenotype. Identifiers: MedGen CN230736.

Allele frequency attached by ClinVar (database versions not stated): gnomAD exomes below 0.00001; TOPMed 0.00001.
gnomAD v4.1: 5 of 1,547,276 alleles (0.00032%); highest among the groups gnomAD compares: Non-Finnish European, 0.00044%; no homozygotes.

Submissions (2):

Women's Health and Genetics/Laboratory Corporation of America, LabCorp
Classification: Uncertain significance. Last evaluated: 2025-05-22. Review status: criteria provided, single submitter. Criteria: LabCorp Variant Classification Summary - May 2015. Collection method: clinical testing. Allele origin: germline.

Ambry Genetics
Classification: Uncertain significance for Cardiovascular phenotype. Last evaluated: 2020-04-29. Review status: criteria provided, single submitter. Criteria: Ambry Variant Classification Scheme 2023. Collection method: clinical testing. Allele origin: germline.
Comment: The p.L443P variant (also known as c.1328T>C), located in coding exon 4 of the JPH2 gene, results from a T to C substitution at nucleotide position 1328. The leucine at codon 443 is replaced by proline, an amino acid with similar properties. This amino acid position is not well conserved in available vertebrate species. In addition, this alteration is predicted to be tolerated by in silico analysis. Since supporting evidence is limited at this time, the clinical significance of this alteration remains unclear.